The following is an entry in ClinVar:

NM_052867.4(NALCN):c.1225G>A (p.Glu409Lys)

Genes: NALCN (sodium leak channel, non-selective; minus strand), LOC126861831 (P300/CBP strongly-dependent group 1 enhancer GRCh37_chr13:101909917-101911116; plus strand). Cytogenetic location: 13q33.1.
Variant type: single nucleotide variant.
Coding change: c.1225G>A on transcript NM_052867.4 (MANE Select); coding-DNA position 1225, G replaced by A.
Protein change: p.Glu409Lys; replaces glutamic acid 409 with lysine.
Molecular consequence: missense variant.
Genome position (GRCh38, 1-based): chr13:101,258,484, C>T on the plus strand (G>A on the coding strand, the complement: NALCN is on the minus strand). VCF-style: chr13-101258484-C-T. GRCh37 (hg19) VCF-style: chr13-101910835-C-T.
Other names: c.1225G>A, p.Glu409Lys (NM_001350748.2, NM_001350749.2); c.1138G>A, p.Glu380Lys (NM_001350750.2, NM_001350751.2); short protein forms E380K, E409K.
Identifiers: ClinVar variation 3893372 (VCV003893372.1).

ClinVar aggregate classification (germline): Uncertain significance (1 of 4 stars; one submission).

gnomAD v4.1: 1 of 1,614,172 alleles (0.000062%); highest among the groups gnomAD compares: Non-Finnish European, 0.000085%; no homozygotes.

Submission:

GeneDx
Classification: Uncertain significance. Last evaluated: 2024-10-21. Review status: criteria provided, single submitter. Criteria: GeneDx Variant Classification Process June 2021. Collection method: clinical testing. Allele origin: germline. Affected: yes.
Comment: Not observed at significant frequency in large population cohorts (gnomAD); In silico analysis indicates that this missense variant does not alter protein structure/function; Has not been previously published as pathogenic or benign to our knowledge